The following is an entry in ClinVar:

NC_000002.11:g.(?_179485809)_(179486755_?)dup

Gene: TTN (titin; minus strand). Cytogenetic location: 2q31.2.
Variant type: Duplication.
Identifiers: ClinVar variation 3247290 (VCV003247290.1).

ClinVar aggregate classification (germline): Uncertain significance (1 of 4 stars; one submission).

Conditions:
Autosomal recessive limb-girdle muscular dystrophy type 2J (LGMDR10). Also called: Limb-girdle muscular dystrophy, type 2J; MUSCULAR DYSTROPHY, LIMB-GIRDLE, AUTOSOMAL RECESSIVE 10. Identifiers: Orphanet 140922, MedGen C1837342, MONDO:0012127, OMIM 608807.
Dilated cardiomyopathy 1G (CMD1G). Identifiers: Orphanet 154, MedGen C1858763, MONDO:0011400, OMIM 604145.

Submission:

Labcorp Genetics (formerly Invitae), Labcorp
Classification: Uncertain significance for Dilated cardiomyopathy 1G; Autosomal recessive limb-girdle muscular dystrophy type 2J. Last evaluated: 2023-04-28. Review status: criteria provided, single submitter. Criteria: Invitae Variant Classification Sherloc (09022015). Collection method: clinical testing. Allele origin: unknown.
Comment: In summary, the available evidence is currently insufficient to determine the role of this variant in disease. Therefore, it has been classified as a Variant of Uncertain Significance. This variant is located in the I band of TTN (PMID: 25589632). Truncating variants in this region have been shown to be highly prevalent in the general population and unaffected individuals (PMID: 26701604, 22335739). However, truncating variants in this region have also been reported in individuals affected with autosomal recessive centronuclear myopathy (PMID: 23975875). This variant has not been reported in the literature in individuals affected with TTN-related conditions. This variant results in a copy number gain of the genomic region encompassing exon(s) 244-246 of the TTN gene. While the exact position of this variant cannot be determined from the data, sub-genic copy number gains are generally in tandem (PMID: 25640679). This variant is predicted to be out-of-frame. While this is not anticipated to result in nonsense mediated decay, it is expected to create a truncated TTN protein

Literature cited by the submitters: PubMed 25589632; PubMed 26701604; PubMed 22335739; PubMed 23975875; PubMed 25640679.